The following is an entry in ClinVar:

NC_012920.1(MT-ATP6):m.9058A>C

Gene: MT-ATP6 (mitochondrially encoded ATP synthase 6; plus strand).
Variant type: single nucleotide variant.
Genome position: chrM-9058-A-C.
Identifiers: ClinVar variation 693070 (VCV000693070.1), dbSNP rs1556423599, ClinGen allele CA414802051.

ClinVar aggregate classification (germline): Uncertain significance (1 of 4 stars; one submission).

Conditions:
Leigh syndrome (NULS). Also called: Leigh's necrotizing encephalopathy; Leigh's disease; Leigh Syndrome (mtDNA deletion); Leigh Disease; Subacute necrotizing encephalopathy; Necrotizing encephalopathy infantile subacute of Leigh. Identifiers: Orphanet 506, MedGen C2931891, MONDO:0009723, OMIM 256000.

Submission:

Wong Mito Lab, Molecular and Human Genetics, Baylor College of Medicine
Classification: Uncertain significance for Leigh syndrome. Last evaluated: 2019-10-17. Review status: criteria provided, single submitter. Criteria: Modified ACMG Guidelines (Unpublished). Collection method: clinical testing. Allele origin: germline.
Comment: The NC_012920.1:m.9058A>C (YP_003024031.1:p.Thr178Pro) variant in MTATP6 gene is interpretated to be a Uncertain Significance variant based on the modified ACMG guidelines (unpublished). This variant meets the following evidence codes: PP7